The following is an entry in ClinVar:

ClinVar aggregate classification (germline): Uncertain significance (1 of 4 stars; one submission).

Conditions:
EP400-related disorder. Also called: EP400-related condition.

Submission:

PreventionGenetics, part of Exact Sciences
Classification: Uncertain significance for EP400-related condition. Last evaluated: 2022-11-22. Review status: criteria provided, single submitter. Criteria: ACMG Guidelines, 2015. Collection method: clinical testing. Allele origin: germline.
Comment: The EP400 c.4804delT variant is predicted to result in a frameshift and premature protein termination (p.Ser1602Hisfs*39). To our knowledge, this variant has not been reported in the literature or in a large population database, indicating this variant is rare. At this time, the clinical significance of this variant is uncertain due to the absence of conclusive functional and genetic evidence.

NM_015409.5(EP400):c.4804del (p.Ser1602fs)

Gene: EP400 (E1A binding protein p400; plus strand). Cytogenetic location: 12q24.33.
Variant type: Deletion.
Coding change: c.4804del on transcript NM_015409.5 (MANE Select); coding-DNA position 4804, one base deleted (T; older notation c.4804delT).
Protein change: p.Ser1602fs; shifts the reading frame from serine 1602.
Molecular consequence: frameshift variant.
Genome position (GRCh38, 1-based): chr12:132,023,890, T deleted. VCF-style (leftmost placement, unchanged base first): chr12-132023889-GT-G. GRCh37 (hg19) VCF-style: chr12-132508434-GT-G.
Other names: short protein forms S1602fs.
Identifiers: ClinVar variation 2635561 (VCV002635561.1), dbSNP rs2540960933, ClinGen allele CA2695199190.
Genomic context (GRCh38, chr12:132,023,889, plus strand): 5'-CCGCGTGGCTCAGCCAGAGACGCCGGTGACACTGCAGTTCCAGGGCAGCAAGTTCACCCT[GT>G]CACACAGCCAGCTCCGGCAGCTCACAGCGGGCCAGCCGCTGCAGCTGCAAGGTAAGGATA-3'